The following is an entry in ClinVar:

ClinVar aggregate classification (germline): Uncertain significance. Review status: criteria provided, multiple submitters, no conflicts (2 of 4 stars). 2 submissions from 2 submitters: Uncertain significance (2). Last evaluated 2023-11-10.

Conditions:
Inborn genetic diseases. Identifiers: MedGen C0950123, MeSH D030342.

Allele frequency attached by ClinVar (database versions not stated): gnomAD exomes below 0.00001; ExAC 0.00001; gnomAD 0.00001; TOPMed 0.00003; ESP Exome Variant Server 0.00008.
gnomAD v4.1: 6 of 1,608,394 alleles (0.00037%); highest among the groups gnomAD compares: African/African-American, 0.008%; no homozygotes.

Submissions (2):

Labcorp Genetics (formerly Invitae), Labcorp
Classification: Uncertain significance. Last evaluated: 2023-11-10. Review status: criteria provided, single submitter. Criteria: Invitae Variant Classification Sherloc (09022015). Collection method: clinical testing. Allele origin: germline.
Comment: This sequence change replaces threonine, which is neutral and polar, with asparagine, which is neutral and polar, at codon 504 of the THBD protein (p.Thr504Asn). This variant is present in population databases (rs148056985, gnomAD 0.007%). This variant has not been reported in the literature in individuals affected with THBD-related conditions. ClinVar contains an entry for this variant (Variation ID: 2397737). Advanced modeling of protein sequence and biophysical properties (such as structural, functional, and spatial information, amino acid conservation, physicochemical variation, residue mobility, and thermodynamic stability) performed at Invitae indicates that this missense variant is not expected to disrupt THBD protein function with a negative predictive value of 80%. In summary, the available evidence is currently insufficient to determine the role of this variant in disease. Therefore, it has been classified as a Variant of Uncertain Significance.

Ambry Genetics
Classification: Uncertain significance for Inborn genetic diseases. Last evaluated: 2022-06-09. Review status: criteria provided, single submitter. Criteria: Ambry Variant Classification Scheme 2023. Collection method: clinical testing. Allele origin: germline.

NM_000361.3(THBD):c.1511C>A (p.Thr504Asn)

Gene: THBD (thrombomodulin; minus strand). Cytogenetic location: 20p11.21.
Variant type: single nucleotide variant.
Coding change: c.1511C>A on transcript NM_000361.3 (MANE Select); coding-DNA position 1511, C replaced by A.
Protein change: p.Thr504Asn; replaces threonine 504 with asparagine.
Molecular consequence: missense variant.
Genome position (GRCh38, 1-based): chr20:23,047,994, G>T on the plus strand (C>A on the coding strand, the complement: THBD is on the minus strand). VCF-style: chr20-23047994-G-T. GRCh37 (hg19) VCF-style: chr20-23028631-G-T.
Other names: short protein forms T504N.
Identifiers: ClinVar variation 2397737 (VCV002397737.5), dbSNP rs148056985, ClinGen allele CA9787540.